The following is an entry in ClinVar:

NM_001909.5(CTSD):c.877A>C (p.Ile293Leu)

Gene: CTSD (cathepsin D; minus strand). Cytogenetic location: 11p15.5.
Variant type: single nucleotide variant.
Coding change: c.877A>C on transcript NM_001909.5 (MANE Select); coding-DNA position 877, A replaced by C.
Protein change: p.Ile293Leu; replaces isoleucine 293 with leucine.
Molecular consequence: missense variant.
Genome position (GRCh38, 1-based): chr11:1,754,089, T>G on the plus strand (A>C on the coding strand, the complement: CTSD is on the minus strand). VCF-style: chr11-1754089-T-G. GRCh37 (hg19) VCF-style: chr11-1775319-T-G.
Other names: p.I293L:ATT>CTT; short protein forms I293L.
Identifiers: ClinVar variation 205340 (VCV000205340.2), dbSNP rs748185051, ClinGen allele CA314322.
Genomic context (GRCh38, chr11:1,754,089, plus strand): 5'-TCTGCAGCTCGCGCACCTCATCCACCGGGCCCACCATGAGGGAAGTGCCTGTGTCCACAA[T>G]GGCCTCACAGCCCTCCTTGCACAGGGTCAGCCCGCTGGCCACCTCCACCCTGCGGGGAGT-3'
Protein context (NP_001900.1, residues 283-303): LTLCKEGCEA[Ile293Leu]VDTGTSLMVG

ClinVar aggregate classification (germline): Uncertain significance (1 of 4 stars; one submission).

Allele frequency attached by ClinVar (database versions not stated): gnomAD exomes below 0.00001.
gnomAD v4.1: 2 of 1,611,378 alleles (0.00012%); highest among the groups gnomAD compares: Admixed American, 0.0033%; no homozygotes.

Submission:

GeneDx
Classification: Uncertain significance. Last evaluated: 2013-04-09. Review status: criteria provided, single submitter. Criteria: GeneDx Variant Classification (06012015). Collection method: clinical testing. Allele origin: germline. Affected: yes.
Comment: p.Ile293Leu (ATT>CTT): c.877 A>C in exon 7 of the CTSD gene (NM_001909.3)The Ile293Leu missense change has not been published as a mutation, nor has it been reported as a benign polymorphism to our knowledge. It was not observed in approximately 6,500 individuals of European and African American ancestry in the NHLBI Exome Sequencing Project or among the various ethnic groups studied in the 1000 Genomes Project, indicating it is not a common benign variant in these populations. The amino acid substitution is conservative as both Isoleucine and Leucine are uncharged, non-polar amino acid residues. However, Ile293Leu alters a highly conserved position in Cathepsin-D. In addition, several in silico algorithms predict it may be damaging to the structure/function of the protein, although one model predicts it may be benign. Therefore, based on the currently available information, it is unclear whether Ile293Leu is a disease-causing mutation or a rare benign variant. The variant is found in EPILEPSY panel(s).